The following is an entry in ClinVar:

ClinVar aggregate classification (germline): Likely benign (0 of 4 stars; one submission).

Conditions:
DROSHA-related disorder. Also called: DROSHA-related condition.

Submission:

PreventionGenetics, part of Exact Sciences
Classification: Likely benign for DROSHA-related condition. Last evaluated: 2024-05-02. Review status: no assertion criteria provided. Collection method: clinical testing. Allele origin: germline.
Comment: This variant is classified as likely benign based on ACMG/AMP sequence variant interpretation guidelines (Richards et al. 2015 PMID: 25741868, with internal and published modifications).

NM_001382508.1(DROSHA):c.2943-5del

Gene: DROSHA (drosha ribonuclease III; minus strand). Cytogenetic location: 5p13.3.
Variant type: Deletion.
Coding change: c.2943-5del on transcript NM_001382508.1 (MANE Select); 5 bases into the intron before coding-DNA position 2943, one base deleted (T; older notation c.2943-5delT).
Molecular consequence: intron variant.
Genome position (GRCh38, 1-based): chr5:31,435,869, A deleted on the plus strand (T on the coding strand, the reverse complement: DROSHA is on the minus strand); the first of 11 consecutive A bases (chr5:31,435,869-31,435,879); deleting any one gives the same sequence. VCF-style (leftmost placement, unchanged base first): chr5-31435868-CA-C. GRCh37 (hg19) VCF-style: chr5-31435975-CA-C.
Other names: c.2943-5del (NM_013235.5); c.2832-5del (NM_001100412.2).
Identifiers: ClinVar variation 3059907 (VCV003059907.2), dbSNP rs199971247, ClinGen allele CA3217316.
Genomic context (GRCh38, chr5:31,435,868, plus strand): 5'-CGATAGGTTGCTAATCCTCCTTCTTCCAGACTAGGAAACAAATAGTACAAATGGACGCTA[CA>C]AAAAAAAAAAGAAGTACATGAATAAATATGCATCACGACATTCTGTCTGTGGCTCTGAGT-3'